The following is an entry in ClinVar:

NM_000540.3(RYR1):c.12625-187T>C

Gene: RYR1 (ryanodine receptor 1; plus strand). Cytogenetic location: 19q13.2.
Variant type: single nucleotide variant.
Coding change: c.12625-187T>C on transcript NM_000540.3 (MANE Select); 187 bases into the intron before coding-DNA position 12625, T replaced by C.
Molecular consequence: intron variant.
Genome position (GRCh38, 1-based): chr19:38,564,772, T>C. VCF-style: chr19-38564772-T-C. GRCh37 (hg19) VCF-style: chr19-39055412-T-C.
Other names: c.12610-187T>C (NM_001042723.2).
Identifiers: ClinVar variation 679597 (VCV000679597.1), dbSNP rs146260773, ClinGen allele CA308108790.
Genomic context (GRCh38, chr19:38,564,772, plus strand): 5'-CACCATGTTGGCCAGGCTGGTCTCGAACTCCTGACCCCAAGTGATCTGCCAGCCTCAGTT[T>C]CCCAAAGTGCTATGATTACAGGCGGAGCCACCGCGCCCAGCCTGACCCTGTCTCAAAAAC-3'

ClinVar aggregate classification (germline): Likely benign (1 of 4 stars; one submission).

Allele frequency attached by ClinVar (database versions not stated): gnomAD 0.00885 and 0.00953; 1000 Genomes Project 0.00899; 1000 Genomes Project 30x 0.00968; TOPMed 0.00999.
gnomAD v4.1: 1,346 of 152,260 alleles (0.88%); highest among the groups gnomAD compares: African/African-American, 3.1%; 18 homozygotes.

Submission:

GeneDx
Classification: Likely benign. Last evaluated: 2018-06-14. Review status: criteria provided, single submitter. Criteria: GeneDx Variant Classification (06012015). Collection method: clinical testing. Allele origin: germline. Affected: yes.
Comment: This variant is considered likely benign or benign based on one or more of the following criteria: it is a conservative change, it occurs at a poorly conserved position in the protein, it is predicted to be benign by multiple in silico algorithms, and/or has population frequency not consistent with disease.